The following is an entry in ClinVar:

ClinVar aggregate classification (germline): Uncertain significance (1 of 4 stars; one submission).

Submission:

Labcorp Genetics (formerly Invitae), Labcorp
Classification: Uncertain significance. Last evaluated: 2021-12-19. Review status: criteria provided, single submitter. Criteria: Invitae Variant Classification Sherloc (09022015). Collection method: clinical testing. Allele origin: germline.
Comment: This variant has not been reported in the literature in individuals affected with EXTL3-related conditions. This sequence change replaces lysine, which is basic and polar, with glutamic acid, which is acidic and polar, at codon 401 of the EXTL3 protein (p.Lys401Glu). This variant is not present in population databases (gnomAD no frequency). Algorithms developed to predict the effect of missense changes on protein structure and function (SIFT, PolyPhen-2, Align-GVGD) all suggest that this variant is likely to be tolerated. In summary, the available evidence is currently insufficient to determine the role of this variant in disease. Therefore, it has been classified as a Variant of Uncertain Significance.

NM_001440.4(EXTL3):c.1201A>G (p.Lys401Glu)

Gene: EXTL3 (exostosin like glycosyltransferase 3; plus strand). Cytogenetic location: 8p21.1.
Variant type: single nucleotide variant.
Coding change: c.1201A>G on transcript NM_001440.4 (MANE Select); coding-DNA position 1201, A replaced by G.
Protein change: p.Lys401Glu; replaces lysine 401 with glutamic acid.
Molecular consequence: missense variant.
Genome position (GRCh38, 1-based): chr8:28,717,260, A>G. VCF-style: chr8-28717260-A-G. GRCh37 (hg19) VCF-style: chr8-28574777-A-G.
Other names: short protein forms K401E.
Identifiers: ClinVar variation 2048631 (VCV002048631.4), dbSNP rs2486626214, ClinGen allele CA370858641.
Genomic context (GRCh38, chr8:28,717,260, plus strand): 5'-GCCACCCTGAAGGCGGTGCAGGACAGCAAGCTGGATCAGGTCCTGGTGGAATTCACCTGC[A>G]AAAACCAGCCCAAACCCAGCCTGCCGACTGAGTGGGCACTGTGTGGAGAGCGGGAGGACC-3'
Protein context (NP_001431.1, residues 391-411): LDQVLVEFTC[Lys401Glu]NQPKPSLPTE